The following is an entry in ClinVar:

ClinVar aggregate classification (germline): Uncertain significance (1 of 4 stars; one submission).

Conditions:
Neuronopathy, distal hereditary motor, autosomal recessive 4. Also called: NEUROPATHY, DISTAL HEREDITARY MOTOR, AUTOSOMAL RECESSIVE 4; Autosomal recessive lower motor neuron disease with childhood onset. Identifiers: Orphanet 206580, MedGen C1970211, MONDO:0012608, OMIM 611067.
Charcot-Marie-Tooth disease recessive intermediate C. Also called: CHARCOT-MARIE-TOOTH NEUROPATHY, RECESSIVE INTERMEDIATE C. Identifiers: Orphanet 369867, MedGen C3809309, MONDO:0014154, OMIM 615376.

Submission:

Labcorp Genetics (formerly Invitae), Labcorp
Classification: Uncertain significance for Neuronopathy, distal hereditary motor, autosomal recessive 4; Charcot-Marie-Tooth disease recessive intermediate C. Last evaluated: 2021-10-13. Review status: criteria provided, single submitter. Criteria: Invitae Variant Classification Sherloc (09022015). Collection method: clinical testing. Allele origin: germline.
Comment: In summary, the available evidence is currently insufficient to determine the role of this variant in disease. Therefore, it has been classified as a Variant of Uncertain Significance. Algorithms developed to predict the effect of missense changes on protein structure and function (SIFT, PolyPhen-2, Align-GVGD) all suggest that this variant is likely to be tolerated. This variant has not been reported in the literature in individuals affected with PLEKHG5-related conditions. This variant is not present in population databases (ExAC no frequency). This sequence change replaces serine with leucine at codon 794 of the PLEKHG5 protein (p.Ser794Leu). The serine residue is moderately conserved and there is a large physicochemical difference between serine and leucine.

NM_020631.6(PLEKHG5):c.2381C>T (p.Ser794Leu)

Gene: PLEKHG5 (pleckstrin homology and RhoGEF domain containing G5; minus strand). Cytogenetic location: 1p36.31.
Variant type: single nucleotide variant.
Coding change: c.2381C>T on transcript NM_020631.6 (MANE Select); coding-DNA position 2381, C replaced by T.
Protein change: p.Ser794Leu; replaces serine 794 with leucine.
Molecular consequence: missense variant.
Genome position (GRCh38, 1-based): chr1:6,468,455, G>A on the plus strand (C>T on the coding strand, the complement: PLEKHG5 is on the minus strand). VCF-style: chr1-6468455-G-A. GRCh37 (hg19) VCF-style: chr1-6528515-G-A.
Other names: c.2492C>T, p.Ser831Leu (NM_001042663.3, NM_001265592.2); c.2381C>T, p.Ser794Leu (NM_001042664.2, NM_001042665.2, NM_001265594.3 and 1 more transcripts); c.2588C>T, p.Ser863Leu (NM_001265593.2); short protein forms S863L, S831L, S794L.
Identifiers: ClinVar variation 1418551 (VCV001418551.5), dbSNP rs2148576538, ClinGen allele CA338117296.